The following is an entry in ClinVar:

NM_014239.4(EIF2B2):c.284+6G>A

Gene: EIF2B2 (eukaryotic translation initiation factor 2B subunit beta; plus strand). Cytogenetic location: 14q24.3.
Variant type: single nucleotide variant.
Coding change: c.284+6G>A on transcript NM_014239.4 (MANE Select); 6 bases into the intron after coding-DNA position 284, G replaced by A.
Molecular consequence: intron variant.
Genome position (GRCh38, 1-based): chr14:75,003,401, G>A. VCF-style: chr14-75003401-G-A. GRCh37 (hg19) VCF-style: chr14-75470104-G-A.
Identifiers: ClinVar variation 1909698 (VCV001909698.2), dbSNP rs2139250714, ClinGen allele CA2575590131.

ClinVar aggregate classification (germline): Uncertain significance (1 of 4 stars; one submission).

Allele frequency attached by ClinVar (database versions not stated): gnomAD exomes below 0.00001.

Submission:

Labcorp Genetics (formerly Invitae), Labcorp
Classification: Uncertain significance. Last evaluated: 2022-06-15. Review status: criteria provided, single submitter. Criteria: Invitae Variant Classification Sherloc (09022015). Collection method: clinical testing. Allele origin: germline.
Comment: This sequence change falls in intron 2 of the EIF2B2 gene. It does not directly change the encoded amino acid sequence of the EIF2B2 protein. It affects a nucleotide within the consensus splice site. This variant is not present in population databases (gnomAD no frequency). This variant has not been reported in the literature in individuals affected with EIF2B2-related conditions. Variants that disrupt the consensus splice site are a relatively common cause of aberrant splicing (PMID: 17576681, 9536098). Algorithms developed to predict the effect of sequence changes on RNA splicing suggest that this variant is not likely to affect RNA splicing. In summary, the available evidence is currently insufficient to determine the role of this variant in disease. Therefore, it has been classified as a Variant of Uncertain Significance.

Literature cited by the submitters: PubMed 17576681; PubMed 9536098.